The following is an entry in ClinVar:

NM_007294.4(BRCA1):c.4064_4066delinsT (p.Asn1355fs)

Genes: BRCA1 (BRCA1 DNA repair associated; minus strand), LOC126862571 (BRD4-independent group 4 enhancer GRCh37_chr17:41243136-41244335; plus strand). Cytogenetic location: 17q21.31.
Variant type: Indel.
Coding change: c.4064_4066delinsT on transcript NM_007294.4 (MANE Select); coding-DNA positions 4064 to 4066, ATC replaced by T.
Protein change: p.Asn1355fs; shifts the reading frame from asparagine 1355.
Molecular consequence: frameshift variant. On other transcripts: intron variant (135).
Genome position (GRCh38, 1-based): chr17:43,091,465-43,091,467, GAT replaced by A on the plus strand (ATC replaced by T on the coding strand, the reverse complement: BRCA1 is on the minus strand). VCF-style: chr17-43091465-GAT-A. GRCh37 (hg19) VCF-style: chr17-41243482-GAT-A.
Other names: c.788-435_788-433delinsT (NM_001407976.1, NM_001408404.1, NM_001408472.1 and 17 more transcripts); c.653-435_653-433delinsT (NM_001408451.1); c.644-435_644-433delinsT (NM_001408464.1, NM_001408468.1, NM_001408465.1 and 3 more transcripts); c.524-435_524-433delinsT (NM_001408498.1, NM_001408501.1, NM_001408500.1 and 3 more transcripts); c.647-435_647-433delinsT (NM_001408467.1, NM_001408459.1, NM_001408455.1 and 11 more transcripts); c.584-435_584-433delinsT (NM_001408475.1); c.710-435_710-433delinsT (NM_001408412.1, NM_001408409.1, NM_001408414.1 and 2 more transcripts); c.452-435_452-433delinsT (NM_001408509.1, NM_001408508.1); and 41 more; short protein forms N1308fs, N1355fs, N1228fs, N1244fs, N1288fs, N1352fs, N1059fs, N1267fs.
Identifiers: ClinVar variation 409338 (VCV000409338.6), dbSNP rs1060502345, ClinGen allele CA16615383.

ClinVar aggregate classification (germline): Pathogenic. Review status: reviewed by expert panel (3 of 4 stars). 2 submissions from 2 submitters: Pathogenic (1). 1 of the submissions does not count toward it. Last evaluated 2017-12-15.

Conditions:
Breast-ovarian cancer, familial, susceptibility to, 1 (BROVCA1). Also called: BRCA1 Hereditary Breast and Ovarian Cancer; OVARIAN CANCER, SUSCEPTIBILITY TO. Identifiers: Orphanet 145, MedGen C2676676, MONDO:0011450, OMIM 604370. Disease mechanism: loss of function.
Hereditary breast ovarian cancer syndrome. Also called: Hereditary breast and ovarian cancer syndrome; Breast and ovarian cancer; Hereditary breast and ovarian cancer syndrome (HBOC); Hereditary breast and/or ovarian cancer syndrome; BRCA1- and BRCA2-Associated Hereditary Breast and Ovarian Cancer; Hereditary breast and ovarian cancer. Identifiers: Orphanet 145, MedGen C0677776, MeSH D061325, MONDO:0003582. Disease mechanism: loss of function.

Submissions (2):

Evidence-based Network for the Interpretation of Germline Mutant Alleles (ENIGMA)
Classification: Pathogenic for Breast-ovarian cancer, familial, susceptibility to, 1. Last evaluated: 2017-12-15. Review status: reviewed by expert panel. Criteria: ENIGMA BRCA1/2 Classification Criteria (2017-06-29). Collection method: curation. Allele origin: germline. Study: ENIGMA.
Comment: Variant allele predicted to encode a truncated non-functional protein.

Labcorp Genetics (formerly Invitae), Labcorp
Classification: Pathogenic for Hereditary breast ovarian cancer syndrome. Last evaluated: 2016-05-26. Review status: criteria provided, single submitter. Criteria: Invitae Variant Classification Sherloc (09022015). Collection method: clinical testing. Allele origin: germline. Not counted in ClinVar's aggregate classification.
Comment: This sequence change deletes 3 nucleotides and inserts 1 nucleotide in exon 10 of the BRCA1 mRNA (c.4064_4066delinsT), causing a frameshift at codon 1355. This creates a premature translational stop signal (p.Asn1355Lysfs*12) and is expected to result in an absent or disrupted protein product. For these reasons, this variant has been classified as Pathogenic. While this particular variant has not been reported in the literature, truncating variants in BRCA1 are known to be pathogenic (PMID: 20104584). A different variant that causes a frameshift at the same codon, c.4065_4068del (p.Asn1355Lysfs*10), has been reported in many individuals and families with breast and/or ovarian cancer (PMID: 23199084).

Literature cited by the submitters: PubMed 20104584 (cited by Labcorp Genetics (formerly Invitae), Labcorp); PubMed 23199084 (cited by Labcorp Genetics (formerly Invitae), Labcorp).